The following is an entry in ClinVar:

NM_000548.5(TSC2):c.190A>T (p.Ile64Phe)

Gene: TSC2 (TSC complex subunit 2; plus strand). Cytogenetic location: 16p13.3.
Variant type: single nucleotide variant.
Coding change: c.190A>T on transcript NM_000548.5 (MANE Select); coding-DNA position 190, A replaced by T.
Protein change: p.Ile64Phe; replaces isoleucine 64 with phenylalanine.
Molecular consequence: missense variant. On other transcripts: 5 prime UTR variant (1).
Genome position (GRCh38, 1-based): chr16:2,050,451, A>T. VCF-style: chr16-2050451-A-T. GRCh37 (hg19) VCF-style: chr16-2100452-A-T.
Other names: c.190A>T, p.Ile64Phe (NM_001077183.3, NM_001114382.3, NM_001318827.2 and 4 more transcripts); c.43A>T, p.Ile15Phe (NM_001318829.2); c.-37A>T (NM_001318831.2); c.223A>T, p.Ile75Phe (NM_001318832.2); short protein forms I75F, I15F, I64F.
Identifiers: ClinVar variation 645136 (VCV000645136.11), dbSNP rs397515081, ClinGen allele CA394303451.

ClinVar aggregate classification (germline): Conflicting classifications of pathogenicity. Review status: criteria provided, conflicting classifications (1 of 4 stars). 2 submissions from 2 submitters: Uncertain significance (1); Benign (1). Last evaluated 2025-10-06.

Conditions:
Tuberous sclerosis 2 (TSC2). Identifiers: Orphanet 805, MedGen C1860707, MONDO:0013199, OMIM 613254.
Hereditary cancer-predisposing syndrome. Also called: Neoplastic Syndromes, Hereditary; Hereditary Cancer Syndrome; Hereditary neoplastic syndrome; Tumor predisposition. Identifiers: Orphanet 140162, MedGen C0027672, MeSH D009386, MONDO:0015356.

gnomAD v4.1: 2 of 1,613,944 alleles (0.00012%); highest among the groups gnomAD compares: East Asian, 0.0022%; no homozygotes.

Submissions (2):

Labcorp Genetics (formerly Invitae), Labcorp
Classification: Benign for Tuberous sclerosis 2. Last evaluated: 2025-10-06. Review status: criteria provided, single submitter. Criteria: Invitae Variant Classification Sherloc (09022015). Collection method: clinical testing. Allele origin: germline.

Ambry Genetics
Classification: Uncertain significance for Hereditary cancer-predisposing syndrome. Last evaluated: 2021-10-22. Review status: criteria provided, single submitter. Criteria: Ambry Variant Classification Scheme 2023. Collection method: clinical testing. Allele origin: germline.
Comment: The p.I64F variant (also known as c.190A>T), located in coding exon 2 of the TSC2 gene, results from an A to T substitution at nucleotide position 190. The isoleucine at codon 64 is replaced by phenylalanine, an amino acid with highly similar properties. This amino acid position is not well conserved in available vertebrate species. In addition, the in silico prediction for this alteration is inconclusive. Since supporting evidence is limited at this time, the clinical significance of this alteration remains unclear.